The following is an entry in ClinVar:

ClinVar aggregate classification (germline): Pathogenic (1 of 4 stars; one submission).

Conditions:
Primary ciliary dyskinesia 3. Identifiers: Orphanet 244, MedGen C1837618, MONDO:0012085, OMIM 608644.

Submission:

Myriad Genetics, Inc.
Classification: Pathogenic for Primary ciliary dyskinesia 3. Last evaluated: 2024-05-14. Review status: criteria provided, single submitter. Criteria: Myriad Autosomal Dominant, Autosomal Recessive and X-Linked Classification Criteria (2023). Collection method: clinical testing. Allele origin: unknown.
Comment: NM_001369.2(DNAH5):c.13228_13229ins19(T4410Rfs*4) is expected to be pathogenic in the context of primary ciliary dyskinesia, DNAH5-related. This variant is predicted to lead to an abnormal or absent protein product due to the creation of a premature termination codon in DNAH5, a gene where loss-of-function variants are known to be pathogenic. Please note: this variant was assessed in the context of healthy population screening.

NM_001369.3(DNAH5):c.13228_13229insGATGTGTATAAGAGACAGT (p.Thr4410delinsArgCysValTer)

Gene: DNAH5 (dynein axonemal heavy chain 5; minus strand). Cytogenetic location: 5p15.2.
Variant type: Insertion.
Coding change: c.13228_13229insGATGTGTATAAGAGACAGT on transcript NM_001369.3 (MANE Select); coding-DNA positions 13228 to 13229, GATGTGTATAAGAGACAGT inserted.
Protein change: p.Thr4410delinsArgCysValTer.
Molecular consequence: nonsense.
Genome position: GRCh38 VCF-style: chr5-13708232-G-GACTGTCTCTTATACACATC. GRCh37 (hg19) VCF-style: chr5-13708341-G-GACTGTCTCTTATACACATC.
Identifiers: ClinVar variation 5010865 (VCV005010865.1).